The following is an entry in ClinVar:

NM_000214.3(JAG1):c.389G>A (p.Arg130Lys)

Gene: JAG1 (jagged canonical Notch ligand 1; minus strand). Cytogenetic location: 20p12.2.
Variant type: single nucleotide variant.
Coding change: c.389G>A on transcript NM_000214.3 (MANE Select); coding-DNA position 389, G replaced by A.
Protein change: p.Arg130Lys; replaces arginine 130 with lysine.
Molecular consequence: missense variant.
Genome position (GRCh38, 1-based): chr20:10,664,013, C>T on the plus strand (G>A on the coding strand, the complement: JAG1 is on the minus strand). VCF-style: chr20-10664013-C-T. GRCh37 (hg19) VCF-style: chr20-10644661-C-T.
Other names: short protein forms R130K.
Identifiers: ClinVar variation 1008598 (VCV001008598.10), dbSNP rs1409103181, ClinGen allele CA408242183.

ClinVar aggregate classification (germline): Uncertain significance (1 of 4 stars; one submission).

Conditions:
Alagille syndrome due to a JAG1 point mutation. Also called: JAG1-Related Alagille Syndrome; Alagille Syndrome 1; HEPATIC DUCTULAR HYPOPLASIA, SYNDROMATIC. Identifiers: Orphanet 261619, Orphanet 52, MedGen C1956125, MONDO:0016862, OMIM 118450.

Allele frequency attached by ClinVar (database versions not stated): gnomAD exomes below 0.00001; TOPMed below 0.00001; gnomAD 0.00001.
gnomAD v4.1: 2 of 1,613,284 alleles (0.00012%); highest among the groups gnomAD compares: Admixed American, 0.0017%; no homozygotes.

Submissions (2):

Labcorp Genetics (formerly Invitae), Labcorp
Classification: Uncertain significance for Alagille syndrome due to a JAG1 point mutation. Last evaluated: 2020-07-13. Review status: criteria provided, single submitter. Criteria: Invitae Variant Classification Sherloc (09022015). Collection method: clinical testing. Allele origin: germline.
Comment: In summary, the available evidence is currently insufficient to determine the role of this variant in disease. Therefore, it has been classified as a Variant of Uncertain Significance. Algorithms developed to predict the effect of missense changes on protein structure and function (SIFT, PolyPhen-2, Align-GVGD) all suggest that this variant is likely to be disruptive, but these predictions have not been confirmed by published functional studies and their clinical significance is uncertain. This variant has not been reported in the literature in individuals with JAG1-related conditions. This variant is not present in population databases (ExAC no frequency). This sequence change replaces arginine with lysine at codon 130 of the JAG1 protein (p.Arg130Lys). The arginine residue is highly conserved and there is a small physicochemical difference between arginine and lysine.

Gilbert/Spinner Lab, Children's Hospital of Philadelphia
No classification provided (evidence only). Condition: Alagille syndrome. Review status: no classification provided. Collection method: research. Allele origin: not applicable. Functional consequence: functionally_abnormal. Not counted in ClinVar's aggregate classification.
ClinVar note: "not provided" was previously submitted as the classification for the variant. However, the classification appeared to be based only on an observation of functional data so it was converted to no classification on 2025-07-30.